The following is an entry in ClinVar:

NM_000463.3(UGT1A1):c.330C>A (p.Ile110=)

Genes: UGT1A (UDP glucuronosyltransferase family 1 member A complex locus; plus strand), UGT1A1 (UDP glucuronosyltransferase family 1 member A1; plus strand), UGT1A10 (UDP glucuronosyltransferase family 1 member A10; plus strand), UGT1A3 (UDP glucuronosyltransferase family 1 member A3; plus strand), UGT1A4 (UDP glucuronosyltransferase family 1 member A4; plus strand) and 5 more. Cytogenetic location: 2q37.1.
Variant type: single nucleotide variant.
Coding change: c.330C>A on transcript NM_000463.3 (MANE Select); coding-DNA position 330, C replaced by A.
Protein change: p.Ile110=; no amino-acid change (isoleucine 110 retained).
Molecular consequence: synonymous variant. On other transcripts: intron variant (9).
Genome position (GRCh38, 1-based): chr2:233,760,617, C>A. VCF-style: chr2-233760617-C-A. GRCh37 (hg19) VCF-style: chr2-234669263-C-A.
Other names: c.856-6417C>A (NM_019076.5, NM_019075.4, NM_021027.3 and 1 more transcripts); c.61-6417C>A (NM_205862.3); c.862-6417C>A (NM_001072.4); c.868-6417C>A (NM_019078.2, NM_007120.3, NM_019093.4).
Identifiers: ClinVar variation 4983953 (VCV004983953.1).
Genomic context (GRCh38, chr2:233,760,617, plus strand): 5'-GTCTTTTGTTAGTCTCGGGCATAATGTTTTTGAGAATGATTCTTTCCTGCAGCGTGTGAT[C>A]AAAACATACAAGAAAATAAAAAAGGACTCTGCTATGCTTTTGTCTGGCTGTTCCCACTTA-3'
Protein context (NP_000454.1, residues 100-120): FENDSFLQRV[Ile110=]KTYKKIKKDS

ClinVar aggregate classification (germline): Likely benign (1 of 4 stars; one submission).

Conditions:
UGT1A1-related disorder. Also called: UGT1A1-related condition; UGT1A1-related disorders.

Submission:

PreventionGenetics, part of Exact Sciences
Classification: Likely benign for UGT1A1-related condition. Last evaluated: 2024-11-13. Review status: criteria provided, single submitter. Criteria: ACMG Guidelines, 2015. Collection method: clinical testing. Allele origin: germline.
Comment: This variant is classified as likely benign based on ACMG/AMP sequence variant interpretation guidelines (Richards et al. 2015 PMID: 25741868, with internal and published modifications).